The following is an entry in ClinVar:

ClinVar aggregate classification (germline): Uncertain significance (1 of 4 stars; one submission).

Conditions:
Cardiovascular phenotype. Identifiers: MedGen CN230736.

Allele frequency attached by ClinVar (database versions not stated): gnomAD exomes 0.00001; ExAC 0.00005; gnomAD 0.00007; TOPMed 0.00011; 1000 Genomes Project 30x 0.00016.
gnomAD v4.1: 26 of 1,550,376 alleles (0.0017%); highest among the groups gnomAD compares: African/African-American, 0.036%; no homozygotes.

Submission:

Ambry Genetics
Classification: Uncertain significance for Cardiovascular phenotype. Last evaluated: 2021-06-22. Review status: criteria provided, single submitter. Criteria: Ambry Variant Classification Scheme 2023. Collection method: clinical testing. Allele origin: germline.
Comment: The p.C1646Y variant (also known as c.4937G>A), located in coding exon 2 of the ZNF469 gene, results from a G to A substitution at nucleotide position 4937. The cysteine at codon 1646 is replaced by tyrosine, an amino acid with highly dissimilar properties. This amino acid position is conserved. In addition, this alteration is predicted to be tolerated by in silico analysis. Since supporting evidence is limited at this time, the clinical significance of this alteration remains unclear.

NM_001367624.2(ZNF469):c.5021G>A (p.Cys1674Tyr)

Gene: ZNF469 (zinc finger protein 469; plus strand). Cytogenetic location: 16q24.2.
Variant type: single nucleotide variant.
Coding change: c.5021G>A on transcript NM_001367624.2 (MANE Select); coding-DNA position 5021, G replaced by A.
Protein change: p.Cys1674Tyr; replaces cysteine 1674 with tyrosine.
Molecular consequence: missense variant.
Genome position (GRCh38, 1-based): chr16:88,432,491, G>A. VCF-style: chr16-88432491-G-A. GRCh37 (hg19) VCF-style: chr16-88498899-G-A.
Other names: NM_001127464.1:c.4937G>A; short protein forms C1674Y.
Identifiers: ClinVar variation 1744237 (VCV001744237.2), dbSNP rs755293349, ClinGen allele CA8225038.